The following is an entry in ClinVar:

NM_021922.3(FANCE):c.71C>A (p.Ala24Asp)

Genes: FANCE (FA complementation group E; plus strand), LOC129996245 (ATAC-STARR-seq lymphoblastoid silent region 17092; plus strand). Cytogenetic location: 6p21.31.
Variant type: single nucleotide variant.
Coding change: c.71C>A on transcript NM_021922.3 (MANE Select); coding-DNA position 71, C replaced by A.
Protein change: p.Ala24Asp; replaces alanine 24 with aspartic acid.
Molecular consequence: missense variant.
Genome position (GRCh38, 1-based): chr6:35,452,616, C>A. VCF-style: chr6-35452616-C-A. GRCh37 (hg19) VCF-style: chr6-35420393-C-A.
Other names: short protein forms A24D.
Identifiers: ClinVar variation 1037871 (VCV001037871.9), dbSNP rs1045892220, ClinGen allele CA137292306.

ClinVar aggregate classification (germline): Uncertain significance (1 of 4 stars; one submission).

Conditions:
Fanconi anemia complementation group E (FANCE). Also called: FANCE-Related Fanconi Anemia. Identifiers: Orphanet 84, MedGen C3160739, MONDO:0010953, OMIM 600901.

Submission:

Labcorp Genetics (formerly Invitae), Labcorp
Classification: Uncertain significance for Fanconi anemia complementation group E. Last evaluated: 2020-08-11. Review status: criteria provided, single submitter. Criteria: Invitae Variant Classification Sherloc (09022015). Collection method: clinical testing. Allele origin: germline.
Comment: Algorithms developed to predict the effect of missense changes on protein structure and function are either unavailable or do not agree on the potential impact of this missense change (SIFT: "Deleterious"; PolyPhen-2: "Possibly Damaging"; Align-GVGD: "Class C0"). In summary, the available evidence is currently insufficient to determine the role of this variant in disease. Therefore, it has been classified as a Variant of Uncertain Significance. This variant has not been reported in the literature in individuals with FANCE-related conditions. This sequence change replaces alanine with aspartic acid at codon 24 of the FANCE protein (p.Ala24Asp). The alanine residue is moderately conserved and there is a moderate physicochemical difference between alanine and aspartic acid. The frequency data for this variant in the population databases is considered unreliable, as metrics indicate insufficient coverage at this position in the ExAC database.